The following is an entry in ClinVar:

NM_004415.4(DSP):c.3512T>C (p.Ile1171Thr)

Gene: DSP (desmoplakin; plus strand). Cytogenetic location: 6p24.3.
Variant type: single nucleotide variant.
Coding change: c.3512T>C on transcript NM_004415.4 (MANE Select); coding-DNA position 3512, T replaced by C.
Protein change: p.Ile1171Thr; replaces isoleucine 1171 with threonine.
Molecular consequence: missense variant.
Genome position (GRCh38, 1-based): chr6:7,579,702, T>C. VCF-style: chr6-7579702-T-C. GRCh37 (hg19) VCF-style: chr6-7579935-T-C.
Other names: c.3512T>C (LRG_423t1); c.3512T>C, p.Ile1171Thr (NM_001008844.3, NM_001319034.2); short protein forms I1171T.
Identifiers: ClinVar variation 246662 (VCV000246662.15), dbSNP rs762449180, ClinGen allele CA038290.

ClinVar aggregate classification (germline): Conflicting classifications of pathogenicity. Review status: criteria provided, conflicting classifications (1 of 4 stars). 4 submissions from 4 submitters: Uncertain significance (3); Likely benign (1). Last evaluated 2026-01-26.

Conditions:
Arrhythmogenic cardiomyopathy with wooly hair and keratoderma. Also called: PALMOPLANTAR KERATODERMA WITH LEFT VENTRICULAR CARDIOMYOPATHY AND WOOLLY HAIR; Carvajal syndrome; Arrhythmogenic cardiomyopathy with woolly hair and keratoderma; Dilated cardiomyopathy with woolly hair and keratoderma. Identifiers: Orphanet 65282, MedGen C1854063, MONDO:0011581, OMIM 605676.
Arrhythmogenic right ventricular dysplasia 8 (ARVD8). Also called: Arrhythmogenic Right Ventricular Dysplasia/Cardiomyopathy 8; ARRHYTHMOGENIC RIGHT VENTRICULAR DYSPLASIA, FAMILIAL, 8; ARRHYTHMOGENIC RIGHT VENTRICULAR CARDIOMYOPATHY 8. Identifiers: MedGen C1843896, MONDO:0011831, OMIM 607450.
Cardiomyopathy (CMYO). Also called: Cardiomyopathies. Identifiers: Orphanet 167848, MedGen C0878544, MONDO:0004994, HP:0001638. Inheritance: Various modes of inheritance.

Allele frequency attached by ClinVar (database versions not stated): gnomAD below 0.00001 and 0.00001; TOPMed below 0.00001; ExAC 0.00001; gnomAD exomes 0.00001 and 0.00002; 1000 Genomes Project 30x 0.00016.
gnomAD v4.1: 17 of 1,613,196 alleles (0.0011%); highest among the groups gnomAD compares: South Asian, 0.019%; no homozygotes.

Submissions (4):

Labcorp Genetics (formerly Invitae), Labcorp
Classification: Likely benign for Arrhythmogenic cardiomyopathy with wooly hair and keratoderma; Arrhythmogenic right ventricular dysplasia 8. Last evaluated: 2026-01-26. Review status: criteria provided, single submitter. Criteria: Invitae Variant Classification Sherloc (09022015). Collection method: clinical testing. Allele origin: germline.

All of Us Research Program, National Institutes of Health
Classification: Uncertain significance for Arrhythmogenic cardiomyopathy with wooly hair and keratoderma. Last evaluated: 2024-08-06. Review status: criteria provided, single submitter. Criteria: ACMG Guidelines, 2015. Collection method: clinical testing. Allele origin: germline. Inheritance: Autosomal dominant inheritance. Observed: 2 variant alleles, 2 heterozygotes.
Comment: This missense variant replaces isoleucine with threonine at codon 1171 of the DSP protein. Computational prediction is inconclusive regarding the impact of this variant on protein structure and function (internally defined REVEL score threshold 0.5 < inconclusive < 0.7, PMID: 27666373). To our knowledge, functional studies have not been reported for this variant. This variant has not been reported in individuals affected with DSP-related disorders in the literature. This variant has been identified in 6/250370 chromosomes in the general population by the Genome Aggregation Database (gnomAD). The available evidence is insufficient to determine the role of this variant in disease conclusively. Therefore, this variant is classified as a Variant of Uncertain Significance.

This study involves interpretation of variants in research participants for the purpose of population health screening. Participant phenotype was not available at the time of variant classification. Additional details can be found in publication PMID: 35346344, PMCID: PMC8962531

Color Diagnostics, LLC DBA Color Health
Classification: Uncertain significance for Cardiomyopathy. Last evaluated: 2024-05-03. Review status: criteria provided, single submitter. Criteria: ACMG Guidelines, 2015. Collection method: clinical testing. Allele origin: germline.
Comment: This missense variant replaces isoleucine with threonine at codon 1171 of the DSP protein. Computational prediction is inconclusive regarding the impact of this variant on protein structure and function (internally defined REVEL score threshold 0.5 < inconclusive < 0.7, PMID: 27666373). To our knowledge, functional studies have not been reported for this variant. This variant has not been reported in individuals affected with DSP-related disorders in the literature. This variant has been identified in 6/250370 chromosomes in the general population by the Genome Aggregation Database (gnomAD). The available evidence is insufficient to determine the role of this variant in disease conclusively. Therefore, this variant is classified as a Variant of Uncertain Significance.

GeneDx
Classification: Uncertain significance. Last evaluated: 2020-01-20. Review status: criteria provided, single submitter. Criteria: GeneDx Variant Classification Process June 2021. Collection method: clinical testing. Allele origin: germline. Affected: yes.
Comment: Has not been previously published as pathogenic or benign to our knowledge; Reported in ClinVar as a variant of uncertain significance but additional evidence is not available (ClinVar Variant ID# 246662; Landrum et al., 2016); In silico analysis, which includes protein predictors and evolutionary conservation, supports that this variant does not alter protein structure/function; This variant is associated with the following publications: (PMID: 31983221)